The following is an entry in ClinVar:

NM_144670.6(A2ML1):c.2401G>T (p.Val801Phe)

Gene: A2ML1 (alpha-2-macroglobulin like 1; plus strand). Cytogenetic location: 12p13.31.
Variant type: single nucleotide variant.
Coding change: c.2401G>T on transcript NM_144670.6 (MANE Select); coding-DNA position 2401, G replaced by T.
Protein change: p.Val801Phe; replaces valine 801 with phenylalanine.
Molecular consequence: missense variant.
Genome position (GRCh38, 1-based): chr12:8,851,950, G>T. VCF-style: chr12-8851950-G-T. GRCh37 (hg19) VCF-style: chr12-9004546-G-T.
Other names: c.928G>T, p.Val310Phe (NM_001282424.3); short protein forms V801F, V310F.
Identifiers: ClinVar variation 450716 (VCV000450716.4), dbSNP rs1555113215, ClinGen allele CA383833403.

ClinVar aggregate classification (germline): Uncertain significance (1 of 4 stars; one submission).

Submission:

GeneDx
Classification: Uncertain significance. Last evaluated: 2019-08-27. Review status: criteria provided, single submitter. Criteria: GeneDx Variant Classification Process June 2021. Collection method: clinical testing. Allele origin: germline. Affected: yes.
Comment: Not observed in large population cohorts (Lek et al., 2016); In silico analysis, which includes protein predictors and evolutionary conservation, supports a deleterious effect; Has not been previously published as pathogenic or benign to our knowledge